The following is an entry in ClinVar:

NM_000059.4(BRCA2):c.2564C>G (p.Thr855Arg)

Gene: BRCA2 (BRCA2 DNA repair associated; plus strand). Cytogenetic location: 13q13.1.
Variant type: single nucleotide variant.
Coding change: c.2564C>G on transcript NM_000059.4 (MANE Select); coding-DNA position 2564, C replaced by G.
Protein change: p.Thr855Arg; replaces threonine 855 with arginine.
Molecular consequence: missense variant. On other transcripts: non-coding transcript variant (1), intron variant (2).
Genome position (GRCh38, 1-based): chr13:32,336,919, C>G. VCF-style: chr13-32336919-C-G. GRCh37 (hg19) VCF-style: chr13-32911056-C-G.
Other names: c.2564C>G, p.Thr855Arg (NM_001406719.1, NM_001406720.1); c.1909+3532C>G (NM_001406721.1); c.424+5889C>G (NM_001406722.1); short protein forms T855R.
Identifiers: ClinVar variation 2596477 (VCV002596477.4), dbSNP rs2137487735, ClinGen allele CA387772554.

ClinVar aggregate classification (germline): Uncertain significance. Review status: criteria provided, multiple submitters, no conflicts (2 of 4 stars). 2 submissions from 2 submitters: Uncertain significance (2). Last evaluated 2025-11-15.

Conditions:
Hereditary cancer-predisposing syndrome. Also called: Tumor predisposition; Hereditary Cancer Syndrome; Hereditary neoplastic syndrome; Neoplastic Syndromes, Hereditary. Identifiers: Orphanet 140162, MedGen C0027672, MeSH D009386, MONDO:0015356.

Submissions (2):

Ambry Genetics
Classification: Uncertain significance for Hereditary cancer-predisposing syndrome. Last evaluated: 2025-11-15. Review status: criteria provided, single submitter. Criteria: Ambry Variant Classification Scheme 2023. Collection method: clinical testing. Allele origin: germline.
Comment: The p.T855R variant (also known as c.2564C>G), located in coding exon 10 of the BRCA2 gene, results from a C to G substitution at nucleotide position 2564. The threonine at codon 855 is replaced by arginine, an amino acid with similar properties. This amino acid position is conserved. In addition, this alteration is predicted to be tolerated by in silico analysis. Since supporting evidence is limited at this time, the clinical significance of this alteration remains unclear.

Color Diagnostics, LLC DBA Color Health
Classification: Uncertain significance for Hereditary cancer-predisposing syndrome. Last evaluated: 2025-04-19. Review status: criteria provided, single submitter. Criteria: ACMG Guidelines, 2015. Collection method: clinical testing. Allele origin: germline.
Comment: This missense variant replaces threonine with arginine at codon 855 of the BRCA2 protein. Computational prediction suggests that this variant may not impact protein structure and function. To our knowledge, functional studies have not been reported for this variant. This variant has not been reported in individuals affected with BRCA2-related disorders in the literature. This variant has not been identified in the general population by the Genome Aggregation Database (gnomAD). The available evidence is insufficient to determine the role of this variant in disease conclusively. Therefore, this variant is classified as a Variant of Uncertain Significance.